The following is an entry in ClinVar:

ClinVar aggregate classification (germline): Pathogenic (1 of 4 stars; one submission).

Conditions:
Amelogenesis imperfecta, type 3A (AI3A). Also called: AMELOGENESIS IMPERFECTA, HYPOCALCIFICATION TYPE, AUTOSOMAL DOMINANT; AMELOGENESIS IMPERFECTA, TYPE IIIA; AMELOGENESIS IMPERFECTA, TYPE IIIA, LOCALIZED. Identifiers: MedGen C5886770, MONDO:0007538, OMIM 130900.

Submission:

Victorian Clinical Genetics Services, Murdoch Childrens Research Institute
Classification: Pathogenic for Amelogenesis imperfecta, type 3A. Last evaluated: 2026-01-20. Review status: criteria provided, single submitter. Criteria: ACMG Guidelines, 2015. Collection method: clinical testing. Allele origin: germline. Affected: yes.
Comment: This variant is classified as Pathogenic. Evidence in support of pathogenic classification: Variant is predicted to result in a truncated protein (premature termination codon is NOT located at least 54 nucleotides upstream of the final exon-exon junction) with at least 1/3 of the protein sequence affected; Variant is absent from gnomAD (v2, v3 and v4); Other protein truncating variants comparable to the one identified in this case have very strong previous evidence for pathogenicity (DECIPHER, PMIDs: 19407157, 33034243). Additional information: This variant is heterozygous; This gene is associated with autosomal dominant disease; This variant has no previous evidence of pathogenicity; No published evidence of segregation with disease has been identified for this variant; No published functional evidence has been identified for this variant; Gain of function is a suggested mechanism of disease in this gene and is associated with amelogenesis imperfecta, type IIIA (MIM#130900). A single truncating variant was shown to have higher protein expression compared with wildtype and was mislocalised to the nucleus. (PMID: 33009625); Inheritance information for this variant is not currently available in this individual.

Literature cited by the submitters: PubMed 19407157; PubMed 33034243; PubMed 33009625.

NM_198488.5(SACK1H):c.1403_1413del (p.Arg468fs)

Gene: SACK1H (scaffolding CK1 anchoring protein H; minus strand). Cytogenetic location: 8q24.3.
Variant type: Deletion.
Coding change: c.1403_1413del on transcript NM_198488.5 (MANE Select); coding-DNA positions 1403 to 1413, 11 bases deleted (GCCCGCAAGGC).
Protein change: p.Arg468fs; shifts the reading frame from arginine 468.
Molecular consequence: frameshift variant.
Genome position (GRCh38, 1-based): chr8:143,728,048-143,728,058, GCCTTGCGGGC deleted on the plus strand (GCCCGCAAGGC on the coding strand, the reverse complement: SACK1H is on the minus strand); deleting any 11 consecutive bases within chr8:143,728,048-143,728,060 gives the same sequence; the c. name uses the placement nearest the transcript's 3' end. VCF-style (leftmost placement, unchanged base first): chr8-143728047-GGCCTTGCGGGC-G. GRCh37 (hg19) VCF-style: chr8-144810217-GGCCTTGCGGGC-G.
Other names: short protein forms R468fs.
Identifiers: ClinVar variation 4819085 (VCV004819085.1).